The following is an entry in ClinVar:

ClinVar aggregate classification (germline): Uncertain significance. Review status: criteria provided, multiple submitters, no conflicts (2 of 4 stars). 2 submissions from 2 submitters: Uncertain significance (2). Last evaluated 2025-05-26.

Allele frequency attached by ClinVar (database versions not stated): gnomAD 0.00011; TOPMed 0.00019; ExAC 0.00021; gnomAD exomes 0.00044; ESP Exome Variant Server 0.00046.
gnomAD v4.1: 643 of 1,613,902 alleles (0.04%); highest among the groups gnomAD compares: Non-Finnish European, 0.052%; no homozygotes.

Submissions (3):

Ambry Genetics
Classification: Uncertain significance. Last evaluated: 2025-05-26. Review status: criteria provided, single submitter. Criteria: Ambry Variant Classification Scheme 2023. Collection method: clinical testing. Allele origin: germline.

Labcorp Genetics (formerly Invitae), Labcorp
Classification: Uncertain significance. Last evaluated: 2025-04-18. Review status: criteria provided, single submitter. Criteria: Invitae Variant Classification Sherloc (09022015). Collection method: clinical testing. Allele origin: germline.
Comment: This sequence change replaces arginine, which is basic and polar, with serine, which is neutral and polar, at codon 75 of the TM4SF20 protein (p.Arg75Ser). This variant is present in population databases (rs144716300, gnomAD 0.03%). This variant has not been reported in the literature in individuals affected with TM4SF20-related conditions. ClinVar contains an entry for this variant (Variation ID: 2077755). An algorithm developed to predict the effect of missense changes on protein structure and function (PolyPhen-2) suggests that this variant is likely to be disruptive. In summary, the available evidence is currently insufficient to determine the role of this variant in disease. Therefore, it has been classified as a Variant of Uncertain Significance.

Dr. Peter K. Rogan Lab, Western University
No classification provided (evidence only). Condition: Malignant tumor of esophagus. Review status: no classification provided. Collection method: in vitro. Allele origin: not applicable. Functional consequence: retained intron. Not counted in ClinVar's aggregate classification.

NM_024795.4(TM4SF20):c.225A>T (p.Arg75Ser)

Genes: TM4SF20 (transmembrane 4 L six family member 20; minus strand), LOC126806540 (CDK7 strongly-dependent group 2 enhancer GRCh37_chr2:228235290-228236489; plus strand). Cytogenetic location: 2q36.3.
Variant type: single nucleotide variant.
Coding change: c.225A>T on transcript NM_024795.4 (MANE Select); coding-DNA position 225, A replaced by T.
Protein change: p.Arg75Ser; replaces arginine 75 with serine.
Molecular consequence: missense variant.
Genome position (GRCh38, 1-based): chr2:227,370,939, T>A on the plus strand (A>T on the coding strand, the complement: TM4SF20 is on the minus strand). VCF-style: chr2-227370939-T-A. GRCh37 (hg19) VCF-style: chr2-228235655-T-A.
Other names: c.225A>T (NM_024795.3); short protein forms R75S.
Identifiers: ClinVar variation 2077755 (VCV002077755.8), dbSNP rs144716300, ClinGen allele CA2148271.